The following is an entry in ClinVar:

ClinVar aggregate classification (germline): Pathogenic (1 of 4 stars; one submission).

Conditions:
Autosomal recessive limb-girdle muscular dystrophy type 2J (LGMDR10). Also called: Limb-girdle muscular dystrophy, type 2J; MUSCULAR DYSTROPHY, LIMB-GIRDLE, AUTOSOMAL RECESSIVE 10. Identifiers: Orphanet 140922, MedGen C1837342, MONDO:0012127, OMIM 608807.
Dilated cardiomyopathy 1G (CMD1G). Identifiers: Orphanet 154, MedGen C1858763, MONDO:0011400, OMIM 604145.

Submission:

Labcorp Genetics (formerly Invitae), Labcorp
Classification: Pathogenic for Dilated cardiomyopathy 1G; Autosomal recessive limb-girdle muscular dystrophy type 2J. Last evaluated: 2023-07-12. Review status: criteria provided, single submitter. Criteria: Invitae Variant Classification Sherloc (09022015). Collection method: clinical testing. Allele origin: unknown.
Comment: For these reasons, this variant has been classified as Pathogenic. This variant disrupts the A and M band(s) of TTN (PMID: 25589632). Copy number variants in TTN have been previously reported in individuals affected with neuromuscular disorders (PMID: 29792937, 30238059). A similar copy number variant has been observed in individual(s) with dilated cardiomyopathy and skeletal myopathy (PMID: 31489791). In at least one individual the variant was observed to be de novo. This variant results in the deletion of exons 347-361 and parts of exons 346 and 362 (c.96076_107490del) of the TTN gene. This variant would be expected to be in-frame, preserving the integrity of the reading frame.

Literature cited by the submitters: PubMed 25589632; PubMed 29792937; PubMed 30238059; PubMed 31489791.

NC_000002.11:g.(?_179392363)_(179408795_?)del

Gene: TTN (titin; minus strand). Cytogenetic location: 2q31.2.
Variant type: Deletion.
Identifiers: ClinVar variation 3247308 (VCV003247308.1).